The following is an entry in ClinVar:

ClinVar aggregate classification (germline): Uncertain significance (1 of 4 stars; one submission).

Conditions:
Cardiovascular phenotype. Identifiers: MedGen CN230736.

gnomAD v4.1: 5 of 1,614,050 alleles (0.00031%); highest among the groups gnomAD compares: Non-Finnish European, 0.00042%; no homozygotes.

Submission:

Ambry Genetics
Classification: Uncertain significance for Cardiovascular phenotype. Last evaluated: 2024-05-05. Review status: criteria provided, single submitter. Criteria: Ambry Variant Classification Scheme 2023. Collection method: clinical testing. Allele origin: germline.
Comment: The p.T279A variant (also known as c.835A>G), located in coding exon 9 of the ANK2 gene, results from an A to G substitution at nucleotide position 835. The threonine at codon 279 is replaced by alanine, an amino acid with similar properties. This amino acid position is conserved. In addition, the in silico prediction for this alteration is inconclusive. Based on the available evidence, the clinical significance of this variant remains unclear.

NM_001148.6(ANK2):c.835A>G (p.Thr279Ala)

Gene: ANK2 (ankyrin 2; plus strand). Cytogenetic location: 4q26.
Variant type: single nucleotide variant.
Coding change: c.835A>G on transcript NM_001148.6 (MANE Select); coding-DNA position 835, A replaced by G.
Protein change: p.Thr279Ala; replaces threonine 279 with alanine.
Molecular consequence: missense variant.
Genome position (GRCh38, 1-based): chr4:113,242,153, A>G. VCF-style: chr4-113242153-A-G. GRCh37 (hg19) VCF-style: chr4-114163309-A-G.
Other names: c.772A>G, p.Thr258Ala (NM_001127493.3, NM_001354239.2, NM_001354243.2 and 14 more transcripts); c.835A>G, p.Thr279Ala (NM_001354225.2, NM_001354228.2, NM_001354232.2 and 9 more transcripts); c.880A>G, p.Thr294Ala (NM_001354230.2, NM_001354231.2, NM_001354237.2 and 5 more transcripts); c.748A>G, p.Thr250Ala (NM_001354249.2, NM_001354260.2, NM_001354264.2 and 16 more transcripts); c.793A>G, p.Thr265Ala (NM_001354261.2, NM_001386147.1, NM_001386160.1); c.823A>G, p.Thr275Ala (NM_001354269.3, NM_001386148.2, NM_001386186.2); c.886A>G, p.Thr296Ala (NM_001386174.1); c.862A>G, p.Thr288Ala (NM_001386175.1); and 1 more; short protein forms T267A, T296A, T250A, T275A, T258A, T265A, T279A, T288A.
Identifiers: ClinVar variation 3295019 (VCV003295019.1).